The following is an entry in ClinVar:

NM_001252102.2(KIF21B):c.3181C>T (p.Arg1061Ter)

Gene: KIF21B (kinesin family member 21B; minus strand). Cytogenetic location: 1q32.1.
Variant type: single nucleotide variant.
Coding change: c.3181C>T on transcript NM_001252102.2 (MANE Select); coding-DNA position 3181, C replaced by T.
Protein change: p.Arg1061Ter; replaces arginine 1061 with a stop codon.
Molecular consequence: nonsense.
Genome position (GRCh38, 1-based): chr1:200,988,883, G>A on the plus strand (C>T on the coding strand, the complement: KIF21B is on the minus strand). VCF-style: chr1-200988883-G-A. GRCh37 (hg19) VCF-style: chr1-200958011-G-A.
Other names: c.3181C>T, p.Arg1061Ter (NM_001252100.2, NM_001252103.2, NM_017596.4); short protein forms R1061*.
Identifiers: ClinVar variation 4688394 (VCV004688394.1).

ClinVar aggregate classification (germline): Uncertain significance (1 of 4 stars; one submission).

Submission:

Women's Health and Genetics/Laboratory Corporation of America, LabCorp
Classification: Uncertain significance. Last evaluated: 2025-12-30. Review status: criteria provided, single submitter. Criteria: LabCorp Variant Classification Summary - May 2015. Collection method: clinical testing. Allele origin: germline.
Comment: Variant summary: KIF21B c.3181C>T (p.Arg1061X) results in a premature termination codon, predicted to cause a truncation of the encoded protein or absence of the protein due to nonsense mediated decay, however current evidence is not sufficient to establish loss of function as a mechanism for disease. The variant allele was found at a frequency of 8.1e-06 in 248126 control chromosomes. The available data on variant occurrences in the general population are insufficient to allow any conclusion about variant significance. To our knowledge, no occurrence of c.3181C>T in individuals affected with KIF21B-related conditions and no experimental evidence demonstrating its impact on protein function have been reported. No submitters have cited clinical-significance assessments for this variant to ClinVar. Based on the evidence outlined above, the variant was classified as uncertain significance.